The following is an entry in ClinVar:

ClinVar aggregate classification (germline): Uncertain significance (1 of 4 stars; one submission).

Submission:

Labcorp Genetics (formerly Invitae), Labcorp
Classification: Uncertain significance. Last evaluated: 2023-07-17. Review status: criteria provided, single submitter. Criteria: Invitae Variant Classification Sherloc (09022015). Collection method: clinical testing. Allele origin: germline.
Comment: ClinVar contains an entry for this variant (Variation ID: 1967169). This variant has not been reported in the literature in individuals affected with POLR3B-related conditions. This variant is not present in population databases (gnomAD no frequency). This sequence change replaces glutamine, which is neutral and polar, with lysine, which is basic and polar, at codon 785 of the POLR3B protein (p.Gln785Lys). Advanced modeling of protein sequence and biophysical properties (such as structural, functional, and spatial information, amino acid conservation, physicochemical variation, residue mobility, and thermodynamic stability) performed at Invitae indicates that this missense variant is not expected to disrupt POLR3B protein function. In summary, the available evidence is currently insufficient to determine the role of this variant in disease. Therefore, it has been classified as a Variant of Uncertain Significance.

NM_018082.6(POLR3B):c.2353C>A (p.Gln785Lys)

Gene: POLR3B (RNA polymerase III subunit B; plus strand). Cytogenetic location: 12q23.3.
Variant type: single nucleotide variant.
Coding change: c.2353C>A on transcript NM_018082.6 (MANE Select); coding-DNA position 2353, C replaced by A.
Protein change: p.Gln785Lys; replaces glutamine 785 with lysine.
Molecular consequence: missense variant.
Genome position (GRCh38, 1-based): chr12:106,457,197, C>A. VCF-style: chr12-106457197-C-A. GRCh37 (hg19) VCF-style: chr12-106850975-C-A.
Other names: c.2179C>A, p.Gln727Lys (NM_001160708.2); short protein forms Q727K, Q785K.
Identifiers: ClinVar variation 1967169 (VCV001967169.5), dbSNP rs2542162935, ClinGen allele CA386388598.